The following is an entry in ClinVar:

ClinVar aggregate classification (germline): Conflicting classifications of pathogenicity. Review status: criteria provided, conflicting classifications (1 of 4 stars). 10 submissions from 9 submitters: Uncertain significance (6); Benign (1); Likely benign (3). Last evaluated 2026-07-01.

Conditions:
Adams-Oliver syndrome 5 (AOS5). Identifiers: Orphanet 974, MedGen C4014970, MONDO:0014459, OMIM 616028.
Aortic valve disease 1 (AOVD1). Identifiers: MedGen C3887892, MONDO:0024523, OMIM 109730.
NOTCH1-related disorder. Also called: NOTCH1-related condition; NOTCH1-related disorders.
Familial thoracic aortic aneurysm and aortic dissection (TAAD). Also called: Thoracic aortic aneurysms and dissections. Identifiers: Orphanet 91387, MedGen C4707243, MONDO:0019625.

Allele frequency attached by ClinVar (database versions not stated): ESP Exome Variant Server 0.00008; gnomAD exomes 0.00010; TOPMed 0.00015; gnomAD 0.00016 and 0.00017.
gnomAD v4.1: 168 of 1,612,334 alleles (0.01%); highest among the groups gnomAD compares: Admixed American, 0.018%; no homozygotes.

Submissions (10):

CeGaT Center for Human Genetics Tuebingen
Classification: Likely benign. Last evaluated: 2026-07-01. Review status: criteria provided, single submitter. Criteria: CeGaT Center For Human Genetics Tuebingen Variant Classification Criteria Version 2. Collection method: clinical testing. Allele origin: germline. Affected: yes. Observed: 1 variant allele.
Comment: NOTCH1: BS1

PreventionGenetics, part of Exact Sciences
Classification: Uncertain significance for NOTCH1-related condition. Last evaluated: 2026-04-13. Review status: criteria provided, single submitter. Criteria: ACMG Guidelines, 2015. Collection method: clinical testing. Allele origin: germline.
Comment: The NOTCH1 c.839A>G variant is predicted to result in the amino acid substitution p.Asn280Ser. This variant has been previously reported as maternally inherited in an individual with coarctation of the aorta (Kerstjens-Frederikse et al. 2016. PubMed ID: 26820064, Table S1). This variant is reported in 0.018% of alleles in individuals of European (Non-Finnish) descent in gnomAD. This variant could be benign. At this time, the clinical significance of this variant is uncertain due to the absence of conclusive functional and genetic evidence.

Labcorp Genetics (formerly Invitae), Labcorp
Classification: Benign for Adams-Oliver syndrome 5. Last evaluated: 2025-12-17. Review status: criteria provided, single submitter. Criteria: Invitae Variant Classification Sherloc (09022015). Collection method: clinical testing. Allele origin: germline.

GeneDx
Classification: Uncertain significance. Last evaluated: 2025-08-19. Review status: criteria provided, single submitter. Criteria: GeneDx Variant Classification Process June 2021. Collection method: clinical testing. Allele origin: germline. Affected: yes.
Comment: Reported in a family with aortic coarctation and thickened aortic valve, however complete clinical and segregation information was not provided (PMID: 26820064); In silico analysis supports that this missense variant has a deleterious effect on protein structure/function; This variant is associated with the following publications: (PMID: 34426522, 26820064)

Women's Health and Genetics/Laboratory Corporation of America, LabCorp
Classification: Likely benign. Last evaluated: 2025-05-19. Review status: criteria provided, single submitter. Criteria: LabCorp Variant Classification Summary - May 2015. Collection method: clinical testing. Allele origin: germline.
Comment: Variant summary: NOTCH1 c.839A>G (p.Asn280Ser) results in a conservative amino acid change located in the EGF-like domain of the encoded protein sequence. Algorithms developed to predict the effect of missense changes on protein structure and function are either unavailable or do not agree on the potential impact of this missense change. The variant allele was found at a frequency of 0.00011 in 246648 control chromosomes. The observed variant frequency is approximately 3.4 fold of the estimated maximal expected allele frequency for a pathogenic variant in NOTCH1 causing Aortic Valve Disease phenotype (3.1e-05). c.839A>G has been observed in individuals affected with coarctation of the aorta (Kerstjens-Frederikse_2016), SIDS (Neubauer_2017), and sporadic bicuspid aortic valve (Debiec_2022), without strong evidence for causality. These reports do not provide unequivocal conclusions about association of the variant with Aortic Valve Disease. To our knowledge, no experimental evidence demonstrating an impact on protein function has been reported. The following publications have been ascertained in the context of this evaluation (PMID: 35288444, 26820064, 28074886). ClinVar contains an entry for this variant (Variation ID: 409078). Based on the evidence outlined above, the variant was classified as likely benign.

Ambry Genetics
Classification: Uncertain significance for Familial thoracic aortic aneurysm and aortic dissection. Last evaluated: 2025-01-28. Review status: criteria provided, single submitter. Criteria: Ambry Variant Classification Scheme 2023. Collection method: clinical testing. Allele origin: germline.
Comment: The p.N280S variant (also known as c.839A>G), located in coding exon 5 of the NOTCH1 gene, results from an A to G substitution at nucleotide position 839. The asparagine at codon 280 is replaced by serine, an amino acid with highly similar properties. This alteration has been reported in congenital heart disease and sudden infant death cohorts (Kerstjens-Frederikse WS et al. Genet Med, 2016 09;18:914-23; Neubauer J et al. Eur J Hum Genet, 2017 04;25:404-409). This amino acid position is highly conserved in available vertebrate species. In addition, this alteration is predicted to be tolerated by in silico analysis. Since supporting evidence is limited at this time, the clinical significance of this alteration remains unclear.

Blueprint Genetics
Classification: Likely benign. Last evaluated: 2024-07-08. Review status: criteria provided, single submitter. Criteria: ACMG Guidelines, 2015. Collection method: clinical testing. Allele origin: germline.

Genome-Nilou Lab
Classification: Uncertain significance for Adams-Oliver syndrome 5. Last evaluated: 2022-03-15. Review status: criteria provided, single submitter. Criteria: ACMG Guidelines, 2015. Collection method: clinical testing. Allele origin: germline. Affected: no.

Genome-Nilou Lab
Classification: Uncertain significance for Aortic valve disease 1. Last evaluated: 2022-03-15. Review status: criteria provided, single submitter. Criteria: ACMG Guidelines, 2015. Collection method: clinical testing. Allele origin: germline. Affected: no.

Fulgent Genetics
Classification: Uncertain significance for Aortic valve disease 1; Adams-Oliver syndrome 5. Last evaluated: 2018-10-31. Review status: criteria provided, single submitter. Criteria: ACMG Guidelines, 2015. Collection method: clinical testing. Allele origin: unknown.

Literature cited by the submitters: PubMed 28074886 (cited by Women's Health and Genetics/Laboratory Corporation of America, LabCorp and Ambry Genetics); PubMed 35288444 (cited by Women's Health and Genetics/Laboratory Corporation of America, LabCorp); PubMed 26820064 (cited by Women's Health and Genetics/Laboratory Corporation of America, LabCorp and Ambry Genetics).

NM_017617.5(NOTCH1):c.839A>G (p.Asn280Ser)

Gene: NOTCH1 (notch receptor 1; minus strand). Cytogenetic location: 9q34.3.
Variant type: single nucleotide variant.
Coding change: c.839A>G on transcript NM_017617.5 (MANE Select); coding-DNA position 839, A replaced by G.
Protein change: p.Asn280Ser; replaces asparagine 280 with serine.
Molecular consequence: missense variant.
Genome position (GRCh38, 1-based): chr9:136,519,469, T>C on the plus strand (A>G on the coding strand, the complement: NOTCH1 is on the minus strand). VCF-style: chr9-136519469-T-C. GRCh37 (hg19) VCF-style: chr9-139413921-T-C.
Other names: c.839A>G, p.Asn280Ser (LRG_1122t1); c.839A>G (NM_017617.4); short protein forms N280S.
Identifiers: ClinVar variation 409078 (VCV000409078.23), dbSNP rs367825691, ClinGen allele CA5342028.